The following is an entry in ClinVar:

ClinVar aggregate classification (germline): Uncertain significance (1 of 4 stars; one submission).

Submission:

GeneDx
Classification: Uncertain significance. Last evaluated: 2026-04-02. Review status: criteria provided, single submitter. Criteria: GeneDx Variant Classification Process June 2021. Collection method: clinical testing. Allele origin: germline.
Comment: Not observed at significant frequency in large population cohorts (gnomAD); In silico analysis supports that this missense variant has a deleterious effect on protein structure/function; Has not been previously published as pathogenic or benign to our knowledge; This variant is associated with the following publications: (PMID: 39500468)

NM_003850.3(SUCLA2):c.1246G>A (p.Ala416Thr)

Gene: SUCLA2 (succinate-CoA ligase ADP-forming subunit beta; minus strand). Cytogenetic location: 13q14.2.
Variant type: single nucleotide variant.
Coding change: c.1246G>A on transcript NM_003850.3 (MANE Select); coding-DNA position 1246, G replaced by A.
Protein change: p.Ala416Thr; replaces alanine 416 with threonine.
Molecular consequence: missense variant.
Genome position (GRCh38, 1-based): chr13:47,949,011, C>T on the plus strand (G>A on the coding strand, the complement: SUCLA2 is on the minus strand). VCF-style: chr13-47949011-C-T. GRCh37 (hg19) VCF-style: chr13-48523146-C-T.
Other names: short protein forms A416T.
Identifiers: ClinVar variation 5017594 (VCV005017594.1).